The following is an entry in ClinVar:

ClinVar aggregate classification (germline): Uncertain significance. Review status: criteria provided, multiple submitters, no conflicts (2 of 4 stars). 4 submissions from 4 submitters: Uncertain significance (3). 1 of the submissions does not count toward it. Last evaluated 2025-10-20.

Conditions:
NDRG1-related disorder. Also called: NDRG1-related condition.
Charcot-Marie-Tooth disease type 4. Also called: Charcot-Marie-Tooth disease, type IV; Charcot-Marie-Tooth, Type 4. Identifiers: Orphanet 64749, MedGen C4082197, MONDO:0018995.
Charcot-Marie-Tooth disease type 4D. Also called: CHARCOT-MARIE-TOOTH DISEASE, DEMYELINATING, AUTOSOMAL RECESSIVE, TYPE 4D; NEUROPATHY, HEREDITARY MOTOR AND SENSORY, LOM TYPE; CHARCOT-MARIE-TOOTH DISEASE, DEMYELINATING, TYPE 4D; Charcot-Marie-Tooth Neuropathy Type 4D. Identifiers: Orphanet 99950, MedGen C1832334, MONDO:0011085, OMIM 601455.

Allele frequency attached by ClinVar (database versions not stated): ExAC 0.00002; gnomAD exomes 0.00003 and 0.00004; gnomAD 0.00005 and 0.00007; TOPMed 0.00011; ESP Exome Variant Server 0.00015.
gnomAD v4.1: 45 of 1,612,152 alleles (0.0028%); highest among the groups gnomAD compares: Admixed American, 0.035%; no homozygotes.

Submissions (4):

PreventionGenetics, part of Exact Sciences
Classification: Uncertain significance for NDRG1-related condition. Last evaluated: 2025-10-20. Review status: criteria provided, single submitter. Criteria: ACMG Guidelines, 2015. Collection method: clinical testing. Allele origin: germline.
Comment: The NDRG1 c.431A>G variant is predicted to result in the amino acid substitution p.Tyr144Cys. To our knowledge, this variant has not been reported in the literature. This variant is reported in 0.026% of alleles in individuals of Latino descent in gnomAD. At this time, the clinical significance of this variant is uncertain due to the absence of conclusive functional and genetic evidence.

Labcorp Genetics (formerly Invitae), Labcorp
Classification: Uncertain significance for Charcot-Marie-Tooth disease type 4. Last evaluated: 2022-08-16. Review status: criteria provided, single submitter. Criteria: Invitae Variant Classification Sherloc (09022015). Collection method: clinical testing. Allele origin: germline.
Comment: This sequence change replaces tyrosine, which is neutral and polar, with cysteine, which is neutral and slightly polar, at codon 144 of the NDRG1 protein (p.Tyr144Cys). This variant is present in population databases (rs139220402, gnomAD 0.02%). This variant has not been reported in the literature in individuals affected with NDRG1-related conditions. ClinVar contains an entry for this variant (Variation ID: 246379). Algorithms developed to predict the effect of missense changes on protein structure and function are either unavailable or do not agree on the potential impact of this missense change (SIFT: "Tolerated"; PolyPhen-2: "Probably Damaging"; Align-GVGD: "Class C0"). In summary, the available evidence is currently insufficient to determine the role of this variant in disease. Therefore, it has been classified as a Variant of Uncertain Significance.

GeneDx
Classification: Uncertain significance. Last evaluated: 2016-02-17. Review status: criteria provided, single submitter. Criteria: GeneDx Variant Classification (06012015). Collection method: clinical testing. Allele origin: germline. Affected: yes.
Comment: The Y144C variant has not been published as a pathogenic variant, nor has it been reported as a benign variant to our knowledge. It was not observed with any significant frequency in approximately 6,500 individuals of European and African American ancestry in the NHLBI Exome Sequencing Project. The Y144C variant is a non-conservative amino acid substitution, which is likely to impact secondary protein structure as these residues differ in polarity, charge, size and/or other properties. This substitution occurs at a position that is conserved across species. However, in silico analysis is inconsistent in its predictions as to whether or not the variant is damaging to the protein structure/function. Based on the currently available information, it is unclear whether this variant is a pathogenic variant or a rare benign variant.

Natera, Inc.
Classification: Uncertain significance for Charcot-Marie-Tooth disease type 4D. Last evaluated: 2020-03-21. Review status: no assertion criteria provided. Collection method: clinical testing. Allele origin: germline. Not counted in ClinVar's aggregate classification.

NM_006096.4(NDRG1):c.431A>G (p.Tyr144Cys)

Gene: NDRG1 (N-myc downstream regulated 1; minus strand). Cytogenetic location: 8q24.22.
Variant type: single nucleotide variant.
Coding change: c.431A>G on transcript NM_006096.4 (MANE Select); coding-DNA position 431, A replaced by G.
Protein change: p.Tyr144Cys; replaces tyrosine 144 with cysteine.
Molecular consequence: missense variant.
Genome position (GRCh38, 1-based): chr8:133,258,385, T>C on the plus strand (A>G on the coding strand, the complement: NDRG1 is on the minus strand). VCF-style: chr8-133258385-T-C. GRCh37 (hg19) VCF-style: chr8-134270628-T-C.
Other names: c.431A>G, p.Tyr144Cys (NM_001135242.2, NM_001374844.1, NM_001374845.1 and 1 more transcripts); c.233A>G, p.Tyr78Cys (NM_001258432.2, NM_001374847.1); c.188A>G, p.Tyr63Cys (NM_001258433.2); short protein forms Y144C, Y63C, Y78C.
Identifiers: ClinVar variation 246379 (VCV000246379.9), dbSNP rs139220402, ClinGen allele CA4886755.